The following is an entry in ClinVar:

NM_014141.6(CNTNAP2):c.2647C>T (p.His883Tyr)

Gene: CNTNAP2 (contactin associated protein 2; plus strand). Cytogenetic location: 7q35.
Variant type: single nucleotide variant.
Coding change: c.2647C>T on transcript NM_014141.6 (MANE Select); coding-DNA position 2647, C replaced by T.
Protein change: p.His883Tyr; replaces histidine 883 with tyrosine.
Molecular consequence: missense variant.
Genome position (GRCh38, 1-based): chr7:148,147,583, C>T. VCF-style: chr7-148147583-C-T. GRCh37 (hg19) VCF-style: chr7-147844675-C-T.
Other names: short protein forms H883Y.
Identifiers: ClinVar variation 2135573 (VCV002135573.4), dbSNP rs2536567917, ClinGen allele CA369928025.

ClinVar aggregate classification (germline): Uncertain significance (1 of 4 stars; one submission).

Conditions:
Cortical dysplasia-focal epilepsy syndrome (PTHSL1). Also called: Pitt-Hopkins-like syndrome 1. Identifiers: Orphanet 163681, Orphanet 221150, MedGen C2750246, MONDO:0012400, OMIM 610042.

Allele frequency attached by ClinVar (database versions not stated): gnomAD exomes below 0.00001.
gnomAD v4.1: 1 of 1,614,090 alleles (0.000062%); highest among the groups gnomAD compares: Non-Finnish European, 0.000085%; no homozygotes.

Submission:

Labcorp Genetics (formerly Invitae), Labcorp
Classification: Uncertain significance for Cortical dysplasia-focal epilepsy syndrome. Last evaluated: 2022-05-08. Review status: criteria provided, single submitter. Criteria: Invitae Variant Classification Sherloc (09022015). Collection method: clinical testing. Allele origin: germline.
Comment: In summary, the available evidence is currently insufficient to determine the role of this variant in disease. Therefore, it has been classified as a Variant of Uncertain Significance. Algorithms developed to predict the effect of missense changes on protein structure and function (SIFT, PolyPhen-2, Align-GVGD) all suggest that this variant is likely to be disruptive. This variant has not been reported in the literature in individuals affected with CNTNAP2-related conditions. This variant is not present in population databases (gnomAD no frequency). This sequence change replaces histidine, which is basic and polar, with tyrosine, which is neutral and polar, at codon 883 of the CNTNAP2 protein (p.His883Tyr).